The following is an entry in ClinVar:

ClinVar aggregate classification (germline): Benign. Review status: criteria provided, multiple submitters, no conflicts (2 of 4 stars). 3 submissions from 3 submitters: Benign (2). 1 of the submissions does not count toward it. Last evaluated 2026-02-03.

Conditions:
MESP1-related disorder. Also called: MESP1-related condition.

Allele frequency attached by ClinVar (database versions not stated): ESP Exome Variant Server 0.09038; TOPMed 0.12093; 1000 Genomes Project 30x 0.13132; 1000 Genomes Project 0.13419; gnomAD exomes 0.19551; ExAC 0.22484.
gnomAD v4.1: 119,738 of 1,433,414 alleles (8.4%); highest among the groups gnomAD compares: Admixed American, 21%; 6,050 homozygotes.

Submissions (3):

Labcorp Genetics (formerly Invitae), Labcorp
Classification: Benign. Last evaluated: 2026-02-03. Review status: criteria provided, single submitter. Criteria: Invitae Variant Classification Sherloc (09022015). Collection method: clinical testing. Allele origin: germline.

Breakthrough Genomics
Classification: Benign. Review status: criteria provided, single submitter. Criteria: ACMG Guidelines, 2015. Collection method: not provided. Allele origin: germline. Inheritance: Unknown mechanism. Affected: yes.

PreventionGenetics, part of Exact Sciences
Classification: Benign for MESP1-related condition. Last evaluated: 2019-10-28. Review status: no assertion criteria provided. Collection method: clinical testing. Allele origin: germline. Not counted in ClinVar's aggregate classification.
Comment: This variant is classified as benign based on ACMG/AMP sequence variant interpretation guidelines (Richards et al. 2015 PMID: 25741868, with internal and published modifications).

NM_018670.4(MESP1):c.657G>T (p.Pro219=)

Genes: MESP1 (mesoderm posterior bHLH transcription factor 1; minus strand), LOC130057888 (ATAC-STARR-seq lymphoblastoid silent region 6803; plus strand). Cytogenetic location: 15q26.1.
Variant type: single nucleotide variant.
Coding change: c.657G>T on transcript NM_018670.4 (MANE Select); coding-DNA position 657, G replaced by T.
Protein change: p.Pro219=; no amino-acid change (proline 219 retained).
Molecular consequence: synonymous variant.
Genome position (GRCh38, 1-based): chr15:89,750,575, C>A on the plus strand (G>T on the coding strand, the complement: MESP1 is on the minus strand). VCF-style: chr15-89750575-C-A. GRCh37 (hg19) VCF-style: chr15-90293806-C-A.
Other names: c.657G>T (NM_018670.3).
Identifiers: ClinVar variation 1561757 (VCV001561757.11), dbSNP rs2305439, ClinGen allele CA7730165.